The following is an entry in ClinVar:

ClinVar aggregate classification (germline): Uncertain significance. Review status: criteria provided, multiple submitters, no conflicts (2 of 4 stars). 6 submissions from 5 submitters: Uncertain significance (6). Last evaluated 2025-05-29.

Conditions:
Inborn genetic diseases. Identifiers: MedGen C0950123, MeSH D030342.
Autosomal dominant nocturnal frontal lobe epilepsy 5. Also called: Epilepsy, nocturnal frontal lobe, 5; CILIARY DYSKINESIA, PRIMARY, 28, WITHOUT SITUS INVERSUS; CILIARY DYSKINESIA, PRIMARY, 28, WITH SITUS INVERSUS; KCNT1-Related Epilepsy. Identifiers: Orphanet 98784, MedGen C3554306, MONDO:0014002, OMIM 615005.
Developmental and epileptic encephalopathy, 14 (DEE14). Also called: Early infantile epileptic encephalopathy 14. Identifiers: Orphanet 293181, MedGen C3554195, MONDO:0013989, OMIM 614959.

Allele frequency attached by ClinVar (database versions not stated): ExAC 0.00001; gnomAD exomes 0.00001 and 0.00003; TOPMed 0.00001; gnomAD 0.00003.
gnomAD v4.1: 39 of 1,611,900 alleles (0.0024%); highest among the groups gnomAD compares: Non-Finnish European, 0.0029%; no homozygotes.

Submissions (6):

Labcorp Genetics (formerly Invitae), Labcorp
Classification: Uncertain significance for Autosomal dominant nocturnal frontal lobe epilepsy 5; Developmental and epileptic encephalopathy, 14. Last evaluated: 2025-05-29. Review status: criteria provided, single submitter. Criteria: Invitae Variant Classification Sherloc (09022015). Collection method: clinical testing. Allele origin: germline.
Comment: This sequence change affects codon 225 of the KCNT1 mRNA. It is a 'silent' change, meaning that it does not change the encoded amino acid sequence of the KCNT1 protein. This variant also falls at the last nucleotide of exon 8, which is part of the consensus splice site for this exon. This variant is present in population databases (rs773255063, gnomAD 0.01%). This variant has not been reported in the literature in individuals affected with KCNT1-related conditions. ClinVar contains an entry for this variant (Variation ID: 589846). Variants that disrupt the consensus splice site are a relatively common cause of aberrant splicing (PMID: 17576681, 9536098). Algorithms developed to predict the effect of sequence changes on RNA splicing suggest that this variant may disrupt the consensus splice site. In summary, the available evidence is currently insufficient to determine the role of this variant in disease. Therefore, it has been classified as a Variant of Uncertain Significance.

Genome-Nilou Lab
Classification: Uncertain significance for Developmental and epileptic encephalopathy, 14. Last evaluated: 2022-03-15. Review status: criteria provided, single submitter. Criteria: ACMG Guidelines, 2015. Collection method: clinical testing. Allele origin: germline. Affected: no.

Genome-Nilou Lab
Classification: Uncertain significance for Autosomal dominant nocturnal frontal lobe epilepsy 5. Last evaluated: 2022-03-15. Review status: criteria provided, single submitter. Criteria: ACMG Guidelines, 2015. Collection method: clinical testing. Allele origin: germline. Affected: no.

Blueprint Genetics
Classification: Uncertain significance. Last evaluated: 2021-03-10. Review status: criteria provided, single submitter. Criteria: ACMG Guidelines, 2015. Collection method: clinical testing. Allele origin: germline.

GeneDx
Classification: Uncertain significance. Last evaluated: 2019-04-29. Review status: criteria provided, single submitter. Criteria: GeneDx Variant Classification Process June 2021. Collection method: clinical testing. Allele origin: germline. Affected: yes.
Comment: Has not been previously published as pathogenic or benign to our knowledge; In-silico analysis, which includes splice predictors and evolutionary conservation, is inconclusive as to whether the variant alters gene splicing. In the absence of RNA/functional studies, the actual effect of this sequence change is unknown.

Ambry Genetics
Classification: Uncertain significance for Inborn genetic diseases. Last evaluated: 2017-06-15. Review status: criteria provided, single submitter. Criteria: Ambry Variant Classification Scheme 2023. Collection method: clinical testing. Allele origin: germline.
Comment: The c.675G>A variant (also known as p.T225T), located in coding exon 8 of the KCNT1 gene, results from a G to A substitution at nucleotide position 675. This nucleotide substitution does not change the at codon 225. However, this change occurs in the last base pair of coding exon 8, which makes it likely to have some effect on normal mRNA splicing. This nucleotide position is poorly conserved in available vertebrate species. Using two different splice site prediction tools, this alteration is predicted by BDGP to abolish the native splice donor site, but is predicted to weaken (but not abolish) the efficiency of the native splice donor site by ESEfinder; however, direct evidence is unavailable. Since supporting evidence is limited at this time, the clinical significance of this variant remains unclear.

Literature cited by the submitters: PubMed 17576681 (cited by Labcorp Genetics (formerly Invitae), Labcorp); PubMed 9536098 (cited by Labcorp Genetics (formerly Invitae), Labcorp).

NM_020822.3(KCNT1):c.675G>A (p.Thr225=)

Gene: KCNT1 (potassium sodium-activated channel subfamily T member 1; plus strand). Cytogenetic location: 9q34.3.
Variant type: single nucleotide variant.
Coding change: c.675G>A on transcript NM_020822.3 (MANE Select); coding-DNA position 675, G replaced by A.
Protein change: p.Thr225=; no amino-acid change (threonine 225 retained).
Molecular consequence: synonymous variant.
Genome position (GRCh38, 1-based): chr9:135,757,230, G>A. VCF-style: chr9-135757230-G-A. GRCh37 (hg19) VCF-style: chr9-138649076-G-A.
Other names: c.531G>A, p.Thr177= (NM_001272003.2).
Identifiers: ClinVar variation 589846 (VCV000589846.17), dbSNP rs773255063, ClinGen allele CA5326586.
Genomic context (GRCh38, chr9:135,757,230, plus strand): 5'-GCAGATCTTCCGCGTGTCCTTCGTCCTGGAGATGATCAACACTCTGCCCTTCATCATCAC[G>A]GTGGGTGAGCCCCAGCTGCCAGGAGTGCGGGCCCTGGAGCCCCAGCCCTGACCTGTCCCC-3'
Protein context (NP_065873.2, residues 215-235): EMINTLPFII[Thr225=]IFWPPLRNLF